The following is an entry in ClinVar:

NM_052865.4(MGME1):c.206C>T (p.Pro69Leu)

Genes: MGME1 (mitochondrial genome maintenance exonuclease 1; plus strand), LOC126862983 (CDK7 strongly-dependent group 2 enhancer GRCh37_chr20:17950167-17951366; plus strand). Cytogenetic location: 20p11.23.
Variant type: single nucleotide variant.
Coding change: c.206C>T on transcript NM_052865.4 (MANE Select); coding-DNA position 206, C replaced by T.
Protein change: p.Pro69Leu; replaces proline 69 with leucine.
Molecular consequence: missense variant.
Genome position (GRCh38, 1-based): chr20:17,970,065, C>T. VCF-style: chr20-17970065-C-T. GRCh37 (hg19) VCF-style: chr20-17950708-C-T.
Other names: c.206C>T, p.Pro69Leu (NM_001310338.2, NM_001310339.2, NM_001363738.2); short protein forms P69L.
Identifiers: ClinVar variation 2082870 (VCV002082870.3), dbSNP rs1365772351, ClinGen allele CA408338956.

ClinVar aggregate classification (germline): Uncertain significance (1 of 4 stars; one submission).

Allele frequency attached by ClinVar (database versions not stated): gnomAD exomes below 0.00001; gnomAD 0.00002; TOPMed 0.00002.
gnomAD v4.1: 4 of 1,614,088 alleles (0.00025%); highest among the groups gnomAD compares: Admixed American, 0.0017%; no homozygotes.

Submission:

Labcorp Genetics (formerly Invitae), Labcorp
Classification: Uncertain significance. Last evaluated: 2025-01-06. Review status: criteria provided, single submitter. Criteria: Invitae Variant Classification Sherloc (09022015). Collection method: clinical testing. Allele origin: germline.
Comment: This sequence change replaces proline, which is neutral and non-polar, with leucine, which is neutral and non-polar, at codon 69 of the MGME1 protein (p.Pro69Leu). This variant is present in population databases (no rsID available, gnomAD 0.01%). This variant has not been reported in the literature in individuals affected with MGME1-related conditions. ClinVar contains an entry for this variant (Variation ID: 2082870). Invitae Evidence Modeling of protein sequence and biophysical properties (such as structural, functional, and spatial information, amino acid conservation, physicochemical variation, residue mobility, and thermodynamic stability) has been performed for this missense variant. However, the output from this modeling did not meet the statistical confidence thresholds required to predict the impact of this variant on MGME1 protein function. In summary, the available evidence is currently insufficient to determine the role of this variant in disease. Therefore, it has been classified as a Variant of Uncertain Significance.